The following is an entry in ClinVar:

NM_000528.4(MAN2B1):c.2665-1G>C

Gene: MAN2B1 (mannosidase alpha class 2B member 1; minus strand). Cytogenetic location: 19p13.13.
Variant type: single nucleotide variant.
Coding change: c.2665-1G>C on transcript NM_000528.4 (MANE Select); the canonical splice acceptor site of the intron before coding-DNA position 2665, G replaced by C.
Molecular consequence: splice acceptor variant.
Genome position (GRCh38, 1-based): chr19:12,647,599, C>G on the plus strand (G>C on the coding strand, the complement: MAN2B1 is on the minus strand). VCF-style: chr19-12647599-C-G. GRCh37 (hg19) VCF-style: chr19-12758413-C-G.
Other names: c.2662-1G>C (NM_001173498.2).
Identifiers: ClinVar variation 555806 (VCV000555806.4), dbSNP rs1555706185, ClinGen allele CA404238291.

ClinVar aggregate classification (germline): Likely pathogenic. Review status: criteria provided, single submitter (1 of 4 stars). 2 submissions from 2 submitters: Likely pathogenic (1). 1 of the submissions does not count toward it. Last evaluated 2025-03-06.

Conditions:
Deficiency of alpha-mannosidase (MANSA). Also called: Mannosidosis, alpha-, types I and II; Alpha-Mannosidosis; LYSOSOMAL ALPHA-D-MANNOSIDASE DEFICIENCY. Identifiers: Orphanet 61, MedGen C0024748, MONDO:0009561, OMIM 248500.

Submissions (2):

Natera, Inc.
Classification: Likely pathogenic for Alpha-mannosidosis. Last evaluated: 2025-03-06. Review status: criteria provided, single submitter. Criteria: Natera Variant Classification Schema (03/2026). Collection method: clinical testing. Allele origin: germline.
Comment: The c.2665-1G>C variant in MAN2B1 is a canonical splice acceptor site variant predicted to affect pre-mRNA splicing, which may result in an abnormal transcript and altered protein product. This variant is expected to result in nonsense mediated decay, truncation, or a dysfunctional protein product. This variant is rare in the general population with a frequency below the threshold expected for the associated phenotype(s). Given the available evidence, this variant is classified as Likely Pathogenic.

Counsyl
Classification: Likely pathogenic for Deficiency of alpha-mannosidase. Last evaluated: 2017-12-21. Review status: no assertion criteria provided. Collection method: clinical testing. Allele origin: unknown. Not counted in ClinVar's aggregate classification.